The following is an entry in ClinVar:

NM_025150.5(TARS2):c.1756C>T (p.Arg586Ter)

Gene: TARS2 (threonyl-tRNA synthetase 2, mitochondrial; plus strand). Cytogenetic location: 1q21.2.
Variant type: single nucleotide variant.
Coding change: c.1756C>T on transcript NM_025150.5 (MANE Select); coding-DNA position 1756, C replaced by T.
Protein change: p.Arg586Ter; replaces arginine 586 with a stop codon.
Molecular consequence: nonsense. On other transcripts: non-coding transcript variant (2).
Genome position (GRCh38, 1-based): chr1:150,504,669, C>T. VCF-style: chr1-150504669-C-T. GRCh37 (hg19) VCF-style: chr1-150477145-C-T.
Other names: c.1510C>T, p.Arg504Ter (NM_001271895.2); c.1366C>T, p.Arg456Ter (NM_001271896.2); short protein forms R586*, R456*, R504*.
Identifiers: ClinVar variation 432091 (VCV000432091.4), dbSNP rs367870620, ClinGen allele CA1077144.

ClinVar aggregate classification (germline): Likely pathogenic (1 of 4 stars; one submission).

Allele frequency attached by ClinVar (database versions not stated): ExAC 0.00001; TOPMed 0.00002 and 0.00003; gnomAD 0.00004 and 0.00006; ESP Exome Variant Server 0.00008; gnomAD exomes 0.00001.
gnomAD v4.1: 16 of 1,613,930 alleles (0.00099%); highest among the groups gnomAD compares: African/African-American, 0.0067%; no homozygotes.

Submission:

GeneDx
Classification: Likely pathogenic. Last evaluated: 2022-09-26. Review status: criteria provided, single submitter. Criteria: GeneDx Variant Classification Process June 2021. Collection method: clinical testing. Allele origin: germline. Affected: yes.
Comment: Nonsense variant predicted to result in protein truncation or nonsense mediated decay in a gene for which loss of function is a known mechanism of disease; Not observed at significant frequency in large population cohorts (gnomAD); Has not been previously published as pathogenic or benign to our knowledge